The following is an entry in ClinVar:

ClinVar aggregate classification (germline): Likely benign (0 of 4 stars; one submission).

Conditions:
DAO-related disorder. Also called: DAO-related condition.

Submission:

PreventionGenetics, part of Exact Sciences
Classification: Likely benign for DAO-related condition. Last evaluated: 2024-06-23. Review status: no assertion criteria provided. Collection method: clinical testing. Allele origin: germline.
Comment: This variant is classified as likely benign based on ACMG/AMP sequence variant interpretation guidelines (Richards et al. 2015 PMID: 25741868, with internal and published modifications).

NM_001917.5(DAO):c.386G>A (p.Gly129Asp)

Gene: DAO (D-amino acid oxidase; plus strand). Cytogenetic location: 12q24.11.
Variant type: single nucleotide variant.
Coding change: c.386G>A on transcript NM_001917.5 (MANE Select); coding-DNA position 386, G replaced by A.
Protein change: p.Gly129Asp; replaces glycine 129 with aspartic acid.
Molecular consequence: missense variant.
Genome position (GRCh38, 1-based): chr12:108,889,545, G>A. VCF-style: chr12-108889545-G-A. GRCh37 (hg19) VCF-style: chr12-109283321-G-A.
Other names: c.386G>A, p.Gly129Asp (NM_001413634.1, NM_001413635.1); short protein forms G129D.
Identifiers: ClinVar variation 3358113 (VCV003358113.1).